The following is an entry in ClinVar:

ClinVar aggregate classification (germline): Uncertain significance. Review status: criteria provided, multiple submitters, no conflicts (2 of 4 stars). 4 submissions from 4 submitters: Uncertain significance (3). 1 of the submissions does not count toward it. Last evaluated 2025-10-14.

Conditions:
Cardiovascular phenotype. Identifiers: MedGen CN230736.
Walker-Warburg congenital muscular dystrophy. Also called: Muscular dystrophy-dystroglycanopathy, type A; Walker-Warburg syndrome. Identifiers: Orphanet 899, MedGen C0265221, MONDO:0000171.

Allele frequency attached by ClinVar (database versions not stated): ExAC 0.00002; ESP Exome Variant Server 0.00008; gnomAD exomes 0.00002 and 0.00001.
gnomAD v4.1: 31 of 1,614,084 alleles (0.0019%); highest among the groups gnomAD compares: Non-Finnish European, 0.0026%; no homozygotes.

Submissions (4):

Ambry Genetics
Classification: Uncertain significance for Cardiovascular phenotype. Last evaluated: 2025-10-14. Review status: criteria provided, single submitter. Criteria: Ambry Variant Classification Scheme 2023. Collection method: clinical testing. Allele origin: germline.
Comment: The p.L393P variant (also known as c.1178T>C), located in coding exon 9 of the FKTN gene, results from a T to C substitution at nucleotide position 1178. The leucine at codon 393 is replaced by proline, an amino acid with similar properties. This amino acid position is well conserved in available vertebrate species. In addition, the in silico prediction for this alteration is inconclusive. Since supporting evidence is limited at this time, the clinical significance of this alteration remains unclear.

GeneDx
Classification: Uncertain significance. Last evaluated: 2025-01-28. Review status: criteria provided, single submitter. Criteria: GeneDx Variant Classification Process June 2021. Collection method: clinical testing. Allele origin: germline. Affected: yes.
Comment: Not observed at significant frequency in large population cohorts (gnomAD); In silico analysis supports that this missense variant has a deleterious effect on protein structure/function; Has not been previously published as pathogenic or benign to our knowledge

Labcorp Genetics (formerly Invitae), Labcorp
Classification: Uncertain significance for Walker-Warburg congenital muscular dystrophy. Last evaluated: 2021-08-26. Review status: criteria provided, single submitter. Criteria: Invitae Variant Classification Sherloc (09022015). Collection method: clinical testing. Allele origin: germline.
Comment: This sequence change replaces leucine with proline at codon 393 of the FKTN protein (p.Leu393Pro). The leucine residue is moderately conserved and there is a moderate physicochemical difference between leucine and proline. This variant is present in population databases (rs374962879, ExAC 0.003%). This variant has not been reported in the literature in individuals affected with FKTN-related conditions. Algorithms developed to predict the effect of missense changes on protein structure and function are either unavailable or do not agree on the potential impact of this missense change (SIFT: "Deleterious"; PolyPhen-2: "Benign"; Align-GVGD: "Class C0"). In summary, the available evidence is currently insufficient to determine the role of this variant in disease. Therefore, it has been classified as a Variant of Uncertain Significance.

Natera, Inc.
Classification: Uncertain significance for Walker-Warburg congenital muscular dystrophy. Last evaluated: 2019-10-28. Review status: no assertion criteria provided. Collection method: clinical testing. Allele origin: germline. Not counted in ClinVar's aggregate classification.

NM_001079802.2(FKTN):c.1178T>C (p.Leu393Pro)

Gene: FKTN (fukutin; plus strand). Cytogenetic location: 9q31.2.
Variant type: single nucleotide variant.
Coding change: c.1178T>C on transcript NM_001079802.2 (MANE Select); coding-DNA position 1178, T replaced by C.
Protein change: p.Leu393Pro; replaces leucine 393 with proline.
Molecular consequence: missense variant. On other transcripts: synonymous variant (1), non-coding transcript variant (2).
Genome position (GRCh38, 1-based): chr9:105,635,056, T>C. VCF-style: chr9-105635056-T-C. GRCh37 (hg19) VCF-style: chr9-108397337-T-C.
Other names: c.1178T>C, p.Leu393Pro (NM_001198963.2, NM_001351496.2, NM_006731.2); c.1109T>C, p.Leu370Pro (NM_001351497.2); c.1209T>C, p.Pro403= (NM_001351498.2); c.782T>C, p.Leu261Pro (NM_001351499.2, NM_001351500.2, NM_001351501.2 and 1 more transcripts); short protein forms L393P, L261P, L370P.
Identifiers: ClinVar variation 459218 (VCV000459218.16), dbSNP rs374962879, ClinGen allele CA5170589.